The following is an entry in ClinVar:

NM_020812.4(DOCK6):c.5529C>T (p.Arg1843=)

Gene: DOCK6 (dedicator of cytokinesis 6; minus strand). Cytogenetic location: 19p13.2.
Variant type: single nucleotide variant.
Coding change: c.5529C>T on transcript NM_020812.4 (MANE Select); coding-DNA position 5529, C replaced by T.
Protein change: p.Arg1843=; no amino-acid change (arginine 1843 retained).
Molecular consequence: synonymous variant.
Genome position (GRCh38, 1-based): chr19:11,202,048, G>A on the plus strand (C>T on the coding strand, the complement: DOCK6 is on the minus strand). VCF-style: chr19-11202048-G-A. GRCh37 (hg19) VCF-style: chr19-11312724-G-A.
Other names: c.5634C>T, p.Arg1878= (NM_001367830.1).
Identifiers: ClinVar variation 3052569 (VCV003052569.2), dbSNP rs747006582, ClinGen allele CA9206431.
Genomic context (GRCh38, chr19:11,202,048, plus strand): 5'-GTGTGCGCGCCCATCCGGCGTGAACGGCGTGCAGAACAGGAATGTGCGAAGCCCATAGTT[G>A]CGGTCAAAGTAGGTCACCCGGTCCTTGAGCTCGTAGGTATCAAAGTACGGTTCCACATAC-3'
Protein context (NP_065863.2, residues 1833-1853): ELKDRVTYFD[Arg1843=]NYGLRTFLFC

ClinVar aggregate classification (germline): Likely benign (0 of 4 stars; one submission).

Conditions:
DOCK6-related disorder. Also called: DOCK6-related condition.

Allele frequency attached by ClinVar (database versions not stated): ExAC 0.00001.
gnomAD v4.1: 4 of 1,614,058 alleles (0.00025%); highest among the groups gnomAD compares: Admixed American, 0.0017%; no homozygotes.

Submission:

PreventionGenetics, part of Exact Sciences
Classification: Likely benign for DOCK6-related condition. Last evaluated: 2023-12-29. Review status: no assertion criteria provided. Collection method: clinical testing. Allele origin: germline.
Comment: This variant is classified as likely benign based on ACMG/AMP sequence variant interpretation guidelines (Richards et al. 2015 PMID: 25741868, with internal and published modifications).